The following is an entry in ClinVar:

NM_000057.4(BLM):c.3359-4_3359-3delinsCG

Gene: BLM (BLM RecQ like helicase; plus strand). Cytogenetic location: 15q26.1.
Variant type: Indel.
Coding change: c.3359-4_3359-3delinsCG on transcript NM_000057.4 (MANE Select); 4 bases into the intron before coding-DNA position 3359 through 3 bases into the intron before coding-DNA position 3359, TC replaced by CG.
Molecular consequence: intron variant.
Genome position (GRCh38, 1-based): chr15:90,803,517-90,803,518, TC replaced by CG. VCF-style: chr15-90803517-TC-CG. GRCh37 (hg19) VCF-style: chr15-91346747-TC-CG.
Other names: c.3359-4_3359-3delinsCG (NM_001287246.2); c.2234-4_2234-3delinsCG (NM_001287248.2); c.3358+5180_3358+5181delinsCG (NM_001287247.2).
Identifiers: ClinVar variation 2452528 (VCV002452528.2), dbSNP rs2505546575, ClinGen allele CA2580090272.

ClinVar aggregate classification (germline): Uncertain significance (1 of 4 stars; one submission).

Conditions:
Hereditary cancer-predisposing syndrome. Also called: Neoplastic Syndromes, Hereditary; Tumor predisposition; Hereditary neoplastic syndrome; Hereditary Cancer Syndrome. Identifiers: Orphanet 140162, MedGen C0027672, MeSH D009386, MONDO:0015356.

Submission:

Ambry Genetics
Classification: Uncertain significance for Hereditary cancer-predisposing syndrome. Last evaluated: 2022-11-18. Review status: criteria provided, single submitter. Criteria: Ambry Variant Classification Scheme 2023. Collection method: clinical testing. Allele origin: germline.
Comment: The c.3359-4_3359-3delTCinsCG intronic variant, located in intron 16 of the BLM gene, results from an in-frame from the deletion of two nucleotides (TC) and the insertion of two nucleotides (CG) at nucleotide positions 3359-4 to 3359-3. This nucleotide region is not well conserved in available vertebrate species. In silico splice site analysis predicts that this alteration will weaken the native splice acceptor site. Since supporting evidence is limited at this time, the clinical significance of this alteration remains unclear.